The following is an entry in ClinVar:

NM_001374828.1(ARID1B):c.2969C>T (p.Ser990Phe)

Gene: ARID1B (AT-rich interaction domain 1B; plus strand). Cytogenetic location: 6q25.3.
Variant type: single nucleotide variant.
Coding change: c.2969C>T on transcript NM_001374828.1 (MANE Select); coding-DNA position 2969, C replaced by T.
Protein change: p.Ser990Phe; replaces serine 990 with phenylalanine.
Molecular consequence: missense variant.
Genome position (GRCh38, 1-based): chr6:157,148,831, C>T. VCF-style: chr6-157148831-C-T. GRCh37 (hg19) VCF-style: chr6-157469965-C-T.
Other names: c.2720C>T, p.Ser907Phe (NM_001346813.1); c.470C>T, p.Ser157Phe (NM_001363725.2); c.3008C>T, p.Ser1003Phe (NM_001371656.1, NM_001374820.1); c.2969C>T, p.Ser990Phe (NM_017519.3); c.2759C>T, p.Ser920Phe (NM_020732.3); c.2546C>T, p.Ser849Phe (NM_175863.2); short protein forms S1003F, S157F, S849F, S907F, S920F, S990F.
Identifiers: ClinVar variation 2635242 (VCV002635242.1), dbSNP rs2537888950, ClinGen allele CA366389055.

ClinVar aggregate classification (germline): Uncertain significance (1 of 4 stars; one submission).

Conditions:
ARID1B-Related Disorder. Identifiers: MedGen CN381337.

Submission:

PreventionGenetics, part of Exact Sciences
Classification: Uncertain significance for ARID1B-related condition. Last evaluated: 2022-11-16. Review status: criteria provided, single submitter. Criteria: ACMG Guidelines, 2015. Collection method: clinical testing. Allele origin: germline.
Comment: The ARID1B c.2759C>T variant is predicted to result in the amino acid substitution p.Ser920Phe. To our knowledge, this variant has not been reported in the literature or in a large population database, indicating this variant is rare. At this time, the clinical significance of this variant is uncertain due to the absence of conclusive functional and genetic evidence.